The following is an entry in ClinVar:

ClinVar aggregate classification (germline): Uncertain significance (1 of 4 stars; one submission).

Conditions:
Vertebral, cardiac, renal, and limb defects syndrome 3. Also called: CONGENITAL NAD DEFICIENCY DISORDER 3. Identifiers: MedGen C5394250, MONDO:0030077, OMIM 618845.

gnomAD v4.1: 19 of 1,613,820 alleles (0.0012%); highest among the groups gnomAD compares: African/African-American, 0.021%; no homozygotes.

Submission:

Juno Genomics, Hangzhou Juno Genomics, Inc
Classification: Uncertain significance for Vertebral, cardiac, renal, and limb defects syndrome 3. Review status: criteria provided, single submitter. Criteria: ACMG Guidelines, 2015. Collection method: clinical testing. Allele origin: germline.
Comment: Absent from controls (or at extremely low frequency if recessive) in Genome Aggregation Database.;Multiple lines of computational evidence support a deleterious effect on the gene or gene product.

NM_018161.5(NADSYN1):c.23C>T (p.Ala8Val)

Gene: NADSYN1 (NAD synthetase 1; plus strand). Cytogenetic location: 11q13.4.
Variant type: single nucleotide variant.
Coding change: c.23C>T on transcript NM_018161.5 (MANE Select); coding-DNA position 23, C replaced by T.
Protein change: p.Ala8Val; replaces alanine 8 with valine.
Molecular consequence: missense variant.
Genome position (GRCh38, 1-based): chr11:71,453,319, C>T. VCF-style: chr11-71453319-C-T. GRCh37 (hg19) VCF-style: chr11-71164365-C-T.
Other names: short protein forms A8V.
Identifiers: ClinVar variation 5004975 (VCV005004975.2).
Genomic context (GRCh38, chr11:71,453,319, plus strand): 5'-TCCCCCGCTGGCCTCCTGCCCAAGCGACTGCGGCCAGGATGGGCCGGAAGGTGACCGTGG[C>T]CACCTGCGCACTCAACCAGTGGGCCCTGGACTTCGAGGGCAATTTGCAAAGAATTTTAAA-3'
Protein context (NP_060631.2, residues 1-18): MGRKVTV[Ala8Val]TCALNQWALD